The following is an entry in ClinVar:

NM_020937.4(FANCM):c.934G>A (p.Ala312Thr)

Gene: FANCM (FA complementation group M; plus strand). Cytogenetic location: 14q21.2.
Variant type: single nucleotide variant.
Coding change: c.934G>A on transcript NM_020937.4 (MANE Select); coding-DNA position 934, G replaced by A.
Protein change: p.Ala312Thr; replaces alanine 312 with threonine.
Molecular consequence: missense variant.
Genome position (GRCh38, 1-based): chr14:45,151,412, G>A. VCF-style: chr14-45151412-G-A. GRCh37 (hg19) VCF-style: chr14-45620615-G-A.
Other names: c.856G>A, p.Ala286Thr (NM_001308133.2); c.934G>A, p.Ala312Thr (NM_001308134.2); short protein forms A286T, A312T.
Identifiers: ClinVar variation 1040890 (VCV001040890.15), dbSNP rs189856413, ClinGen allele CA7168892.

ClinVar aggregate classification (germline): Uncertain significance. Review status: criteria provided, multiple submitters, no conflicts (2 of 4 stars). 5 submissions from 5 submitters: Uncertain significance (5). Last evaluated 2025-09-17.

Conditions:
Fanconi anemia (FA). Also called: Fanconi's anemia. Identifiers: Orphanet 84, MedGen C0015625, MeSH D005199, MONDO:0019391.
Spermatogenic failure 28. Identifiers: MedGen C4748117, MONDO:0054732, OMIM 618086.
Premature ovarian failure 15. Identifiers: MedGen C4748170, MONDO:0054862, OMIM 618096.
Inborn genetic diseases. Identifiers: MedGen C0950123, MeSH D030342.

Allele frequency attached by ClinVar (database versions not stated): gnomAD exomes 0.00001 and 0.00004; ExAC 0.00006; TOPMed 0.00010; gnomAD 0.00012 and 0.00013; 1000 Genomes Project 30x 0.00031; 1000 Genomes Project 0.00040.
gnomAD v4.1: 27 of 1,613,680 alleles (0.0017%); highest among the groups gnomAD compares: African/African-American, 0.035%; no homozygotes.

Submissions (5):

Labcorp Genetics (formerly Invitae), Labcorp
Classification: Uncertain significance for Fanconi anemia. Last evaluated: 2025-09-17. Review status: criteria provided, single submitter. Criteria: Invitae Variant Classification Sherloc (09022015). Collection method: clinical testing. Allele origin: germline.
Comment: This sequence change replaces alanine, which is neutral and non-polar, with threonine, which is neutral and polar, at codon 312 of the FANCM protein (p.Ala312Thr). This variant is present in population databases (rs189856413, gnomAD 0.06%). This variant has not been reported in the literature in individuals affected with FANCM-related conditions. ClinVar contains an entry for this variant (Variation ID: 1040890). An algorithm developed to predict the effect of missense changes on protein structure and function (PolyPhen-2) suggests that this variant is likely to be tolerated. In summary, the available evidence is currently insufficient to determine the role of this variant in disease. Therefore, it has been classified as a Variant of Uncertain Significance.

GeneDx
Classification: Uncertain significance. Last evaluated: 2025-03-17. Review status: criteria provided, single submitter. Criteria: GeneDx Variant Classification Process June 2021. Collection method: clinical testing. Allele origin: germline. Affected: yes.
Comment: In silico analysis supports that this missense variant has a deleterious effect on protein structure/function; Has not been previously published as pathogenic or benign to our knowledge

St. Jude Molecular Pathology, St. Jude Children's Research Hospital
Classification: Uncertain significance for Fanconi anemia. Last evaluated: 2025-01-15. Review status: criteria provided, single submitter. Criteria: St. Jude Assertion Criteria 2020. Collection method: clinical testing. Allele origin: germline.
Comment: The FANCM c.934G>A (p.Ala312Thr) missense change has a maximum subpopulation frequency of 0.060% in gnomAD v2.1.1. The in silico tool REVEL predicts a benign effect on protein function, but this prediction has not been confirmed by functional studies. This variant has not been reported in individuals with Fanconi anemia. In summary, the evidence currently available is insufficient to determine the clinical significance of this variant. It has therefore been classified as of uncertain significance.

Ambry Genetics
Classification: Uncertain significance for Inborn genetic diseases. Last evaluated: 2024-10-04. Review status: criteria provided, single submitter. Criteria: Ambry Variant Classification Scheme 2023. Collection method: clinical testing. Allele origin: germline.
Comment: The p.A312T variant (also known as c.934G>A), located in coding exon 5 of the FANCM gene, results from a G to A substitution at nucleotide position 934. The alanine at codon 312 is replaced by threonine, an amino acid with similar properties. This amino acid position is conserved. In addition, this alteration is predicted to be tolerated by in silico analysis. Based on the available evidence, the clinical significance of this variant remains unclear.

Fulgent Genetics
Classification: Uncertain significance for Spermatogenic failure 28; Premature ovarian failure 15. Last evaluated: 2022-05-04. Review status: criteria provided, single submitter. Criteria: ACMG Guidelines, 2015. Collection method: clinical testing. Allele origin: unknown.